The following is an entry in ClinVar:

ClinVar aggregate classification (germline): Likely benign (1 of 4 stars; one submission).

Allele frequency attached by ClinVar (database versions not stated): 1000 Genomes Project 30x 0.00297; 1000 Genomes Project 0.00300; TOPMed 0.00572; gnomAD 0.00730 and 0.00759.
gnomAD v4.1: 1,104 of 152,314 alleles (0.72%); highest among the groups gnomAD compares: Non-Finnish European, 0.97%; 9 homozygotes.

Submission:

GeneDx
Classification: Likely benign. Last evaluated: 2018-06-14. Review status: criteria provided, single submitter. Criteria: GeneDx Variant Classification (06012015). Collection method: clinical testing. Allele origin: germline. Affected: yes.
Comment: This variant is considered likely benign or benign based on one or more of the following criteria: it is a conservative change, it occurs at a poorly conserved position in the protein, it is predicted to be benign by multiple in silico algorithms, and/or has population frequency not consistent with disease.

NM_000260.4(MYO7A):c.1935+302C>T

Gene: MYO7A (myosin VIIA; plus strand). Cytogenetic location: 11q13.5.
Variant type: single nucleotide variant.
Coding change: c.1935+302C>T on transcript NM_000260.4 (MANE Select); 302 bases into the intron after coding-DNA position 1935, C replaced by T.
Molecular consequence: intron variant.
Genome position (GRCh38, 1-based): chr11:77,173,187, C>T. VCF-style: chr11-77173187-C-T. GRCh37 (hg19) VCF-style: chr11-76884233-C-T.
Other names: c.1902+302C>T (NM_001369365.1); c.1935+302C>T (NM_001127180.2).
Identifiers: ClinVar variation 672432 (VCV000672432.1), dbSNP rs61900007, ClinGen allele CA224836365.